The following is an entry in ClinVar:

NM_001352754.2(ARMC9):c.1829A>G (p.Gln610Arg)

Gene: ARMC9 (armadillo repeat containing 9; plus strand). Cytogenetic location: 2q37.1.
Variant type: single nucleotide variant.
Coding change: c.1829A>G on transcript NM_001352754.2 (MANE Select); coding-DNA position 1829, A replaced by G.
Protein change: p.Gln610Arg; replaces glutamine 610 with arginine.
Molecular consequence: missense variant. On other transcripts: non-coding transcript variant (1), intron variant (1).
Genome position (GRCh38, 1-based): chr2:231,331,848, A>G. VCF-style: chr2-231331848-A-G. GRCh37 (hg19) VCF-style: chr2-232196560-A-G.
Other names: c.1829A>G, p.Gln610Arg (NM_001271466.4, NM_001291656.2, NM_001352755.2 and 2 more transcripts); c.1730A>G, p.Gln577Arg (NM_001352757.2, NM_001352758.2); c.1774-13127A>G (NM_001352759.2); short protein forms Q577R, Q610R.
Identifiers: ClinVar variation 1976509 (VCV001976509.5), dbSNP rs765901201, ClinGen allele CA2160504.

ClinVar aggregate classification (germline): Uncertain significance (1 of 4 stars; one submission).

Allele frequency attached by ClinVar (database versions not stated): gnomAD exomes below 0.00001; TOPMed below 0.00001; ExAC 0.00001.
gnomAD v4.1: 1 of 1,614,094 alleles (0.000062%); highest among the groups gnomAD compares: Admixed American, 0.0017%; no homozygotes.

Submission:

Labcorp Genetics (formerly Invitae), Labcorp
Classification: Uncertain significance. Last evaluated: 2022-07-30. Review status: criteria provided, single submitter. Criteria: Invitae Variant Classification Sherloc (09022015). Collection method: clinical testing. Allele origin: germline.
Comment: This sequence change replaces glutamine, which is neutral and polar, with arginine, which is basic and polar, at codon 610 of the ARMC9 protein (p.Gln610Arg). This variant is present in population databases (rs765901201, gnomAD 0.006%). This variant has not been reported in the literature in individuals affected with ARMC9-related conditions. Experimental studies and prediction algorithms are not available or were not evaluated, and the functional significance of this variant is currently unknown. In summary, the available evidence is currently insufficient to determine the role of this variant in disease. Therefore, it has been classified as a Variant of Uncertain Significance.